The following is an entry in ClinVar:

ClinVar aggregate classification (germline): Pathogenic (1 of 4 stars; one submission).

Conditions:
Joubert syndrome. Also called: CEREBELLOPARENCHYMAL DISORDER IV; JOUBERT-BOLTSHAUSER SYNDROME; Familial aplasia of the vermis. Identifiers: Orphanet 475, MedGen C5979921, MONDO:0018772.
Meckel-Gruber syndrome. Also called: DYSENCEPHALIA SPLANCHNOCYSTICA; GRUBER SYNDROME; Dysencephalia splachnocystica. Identifiers: Orphanet 564, MedGen C0265215, MONDO:0018921.

Submission:

Labcorp Genetics (formerly Invitae), Labcorp
Classification: Pathogenic for Joubert syndrome; Meckel-Gruber syndrome. Last evaluated: 2023-07-17. Review status: criteria provided, single submitter. Criteria: Invitae Variant Classification Sherloc (09022015). Collection method: clinical testing. Allele origin: germline.
Comment: This sequence change creates a premature translational stop signal (p.Glu69*) in the MKS1 gene. It is expected to result in an absent or disrupted protein product. Loss-of-function variants in MKS1 are known to be pathogenic (PMID: 19466712, 24886560, 26490104). This variant is not present in population databases (gnomAD no frequency). This variant has not been reported in the literature in individuals affected with MKS1-related conditions. Algorithms developed to predict the effect of sequence changes on RNA splicing suggest that this variant may create or strengthen a splice site. For these reasons, this variant has been classified as Pathogenic.

Literature cited by the submitters: PubMed 19466712; PubMed 24886560; PubMed 26490104.

NM_017777.4(MKS1):c.205G>T (p.Glu69Ter)

Gene: MKS1 (MKS transition zone complex subunit 1; minus strand). Cytogenetic location: 17q22.
Variant type: single nucleotide variant.
Coding change: c.205G>T on transcript NM_017777.4 (MANE Select); coding-DNA position 205, G replaced by T.
Protein change: p.Glu69Ter; replaces glutamic acid 69 with a stop codon.
Molecular consequence: nonsense. On other transcripts: 5 prime UTR variant (1).
Genome position (GRCh38, 1-based): chr17:58,216,722, C>A on the plus strand (G>T on the coding strand, the complement: MKS1 is on the minus strand). VCF-style: chr17-58216722-C-A. GRCh37 (hg19) VCF-style: chr17-56294083-C-A.
Other names: c.-307G>T (NM_001321268.2); c.205G>T, p.Glu69Ter (NM_001321269.2, NM_001330397.2, NM_001411113.1); short protein forms E69*.
Identifiers: ClinVar variation 2924934 (VCV002924934.3), dbSNP rs2509457683, ClinGen allele CA400327815.